The following is an entry in ClinVar:

NM_006031.6(PCNT):c.4126G>A (p.Ala1376Thr)

Gene: PCNT (pericentrin; plus strand). Cytogenetic location: 21q22.3.
Variant type: single nucleotide variant.
Coding change: c.4126G>A on transcript NM_006031.6 (MANE Select); coding-DNA position 4126, G replaced by A.
Protein change: p.Ala1376Thr; replaces alanine 1376 with threonine.
Molecular consequence: missense variant.
Genome position (GRCh38, 1-based): chr21:46,391,286, G>A. VCF-style: chr21-46391286-G-A. GRCh37 (hg19) VCF-style: chr21-47811201-G-A.
Other names: c.3772G>A, p.Ala1258Thr (NM_001315529.2); short protein forms A1258T, A1376T.
Identifiers: ClinVar variation 4993997 (VCV004993997.1).
Genomic context (GRCh38, chr21:46,391,286, plus strand): 5'-GATTCCGAGCACCGTCTGGTGCTGGAGCTGGAGAGCCTGAGACGGCAGCTGCAGCAGGCG[G>A]CCCAGGAGCAGGCGGCGCTGAGGGAGGAGTGCACCCGTCTGTGGAGTCGGGGGGAGGCCA-3'
Protein context (NP_006022.3, residues 1366-1386): ESLRRQLQQA[Ala1376Thr]QEQAALREEC

ClinVar aggregate classification (germline): Uncertain significance (1 of 4 stars; one submission).

Conditions:
PCNT-related disorder. Also called: PCNT-related condition.

Submission:

PreventionGenetics, part of Exact Sciences
Classification: Uncertain significance for PCNT-related condition. Last evaluated: 2026-06-27. Review status: criteria provided, single submitter. Criteria: ACMG Guidelines, 2015. Collection method: clinical testing. Allele origin: germline.
Comment: The PCNT c.4126G>A variant is predicted to result in the amino acid substitution p.Ala1376Thr. To our knowledge, this variant has not been reported in the literature or in a large population database (gnomAD), indicating this variant is rare. At this time, the clinical significance of this variant is uncertain due to the absence of conclusive functional and genetic evidence.